The following is an entry in ClinVar:

ClinVar aggregate classification (germline): Uncertain significance (1 of 4 stars; one submission).

Submission:

Labcorp Genetics (formerly Invitae), Labcorp
Classification: Uncertain significance. Last evaluated: 2022-02-10. Review status: criteria provided, single submitter. Criteria: Invitae Variant Classification Sherloc (09022015). Collection method: clinical testing. Allele origin: germline.
Comment: This sequence change replaces alanine, which is neutral and non-polar, with threonine, which is neutral and polar, at codon 10 of the DLL1 protein (p.Ala10Thr). This variant is not present in population databases (gnomAD no frequency). In summary, the available evidence is currently insufficient to determine the role of this variant in disease. Therefore, it has been classified as a Variant of Uncertain Significance. Algorithms developed to predict the effect of missense changes on protein structure and function (SIFT, PolyPhen-2, Align-GVGD) all suggest that this variant is likely to be tolerated. This variant has not been reported in the literature in individuals affected with DLL1-related conditions.

NM_005618.4(DLL1):c.28G>A (p.Ala10Thr)

Gene: DLL1 (delta like canonical Notch ligand 1; minus strand). Cytogenetic location: 6q27.
Variant type: single nucleotide variant.
Coding change: c.28G>A on transcript NM_005618.4 (MANE Select); coding-DNA position 28, G replaced by A.
Protein change: p.Ala10Thr; replaces alanine 10 with threonine.
Molecular consequence: missense variant.
Genome position (GRCh38, 1-based): chr6:170,290,112, C>T on the plus strand (G>A on the coding strand, the complement: DLL1 is on the minus strand). VCF-style: chr6-170290112-C-T. GRCh37 (hg19) VCF-style: chr6-170599200-C-T.
Other names: short protein forms A10T.
Identifiers: ClinVar variation 2095871 (VCV002095871.4), dbSNP rs1330156340, ClinGen allele CA366510510.